The following is an entry in ClinVar:

ClinVar aggregate classification (germline): Uncertain significance. Review status: criteria provided, multiple submitters, no conflicts (2 of 4 stars). 2 submissions from 2 submitters: Uncertain significance (2). Last evaluated 2025-03-04.

Conditions:
Inborn genetic diseases. Identifiers: MedGen C0950123, MeSH D030342.

gnomAD v4.1: 5 of 1,614,014 alleles (0.00031%); highest among the groups gnomAD compares: African/African-American, 0.0053%; no homozygotes.

Submissions (2):

Labcorp Genetics (formerly Invitae), Labcorp
Classification: Uncertain significance. Last evaluated: 2025-03-04. Review status: criteria provided, single submitter. Criteria: Invitae Variant Classification Sherloc (09022015). Collection method: clinical testing. Allele origin: germline.
Comment: This sequence change replaces aspartic acid, which is acidic and polar, with glycine, which is neutral and non-polar, at codon 309 of the ANKRD26 protein (p.Asp309Gly). This variant is present in population databases (no rsID available, gnomAD 0.007%). This variant has not been reported in the literature in individuals affected with ANKRD26-related conditions. ClinVar contains an entry for this variant (Variation ID: 3396282). An algorithm developed to predict the effect of missense changes on protein structure and function (PolyPhen-2) suggests that this variant is likely to be tolerated. In summary, the available evidence is currently insufficient to determine the role of this variant in disease. Therefore, it has been classified as a Variant of Uncertain Significance.

Ambry Genetics
Classification: Uncertain significance for Inborn genetic diseases. Last evaluated: 2024-11-22. Review status: criteria provided, single submitter. Criteria: Ambry Variant Classification Scheme 2023. Collection method: clinical testing. Allele origin: germline.
Comment: The p.D309G variant (also known as c.926A>G), located in coding exon 9 of the ANKRD26 gene, results from an A to G substitution at nucleotide position 926. The aspartic acid at codon 309 is replaced by glycine, an amino acid with similar properties. This amino acid position is conserved. In addition, this alteration is predicted to be tolerated by in silico analysis. Based on the available evidence, the clinical significance of this variant remains unclear.

NM_014915.3(ANKRD26):c.926A>G (p.Asp309Gly)

Gene: ANKRD26 (ankyrin repeat domain 26; minus strand). Cytogenetic location: 10p12.1.
Variant type: single nucleotide variant.
Coding change: c.926A>G on transcript NM_014915.3 (MANE Select); coding-DNA position 926, A replaced by G.
Protein change: p.Asp309Gly; replaces aspartic acid 309 with glycine.
Molecular consequence: missense variant.
Genome position (GRCh38, 1-based): chr10:27,077,489, T>C on the plus strand (A>G on the coding strand, the complement: ANKRD26 is on the minus strand). VCF-style: chr10-27077489-T-C. GRCh37 (hg19) VCF-style: chr10-27366418-T-C.
Other names: c.926A>G, p.Asp309Gly (NM_001256053.2); short protein forms D309G.
Identifiers: ClinVar variation 3396282 (VCV003396282.2).